The following is an entry in ClinVar:

ClinVar aggregate classification (germline): Uncertain significance. Review status: criteria provided, multiple submitters, no conflicts (2 of 4 stars). 3 submissions from 3 submitters: Uncertain significance (3). Last evaluated 2025-05-12.

Conditions:
Hereditary cancer-predisposing syndrome. Also called: Tumor predisposition; Hereditary neoplastic syndrome; Neoplastic Syndromes, Hereditary; Hereditary Cancer Syndrome. Identifiers: Orphanet 140162, MedGen C0027672, MeSH D009386, MONDO:0015356.
Bloom syndrome (BLM). Also called: Bloom-Torre-Machacek syndrome. Identifiers: Orphanet 125, MedGen C0005859, MONDO:0008876, OMIM 210900.

Allele frequency attached by ClinVar (database versions not stated): gnomAD exomes below 0.00001; TOPMed below 0.00001; gnomAD 0.00001.
gnomAD v4.1: 3 of 1,597,148 alleles (0.00019%); highest among the groups gnomAD compares: Middle Eastern, 0.017%; no homozygotes.

Submissions (3):

Labcorp Genetics (formerly Invitae), Labcorp
Classification: Uncertain significance for Bloom syndrome. Last evaluated: 2025-05-12. Review status: criteria provided, single submitter. Criteria: Invitae Variant Classification Sherloc (09022015). Collection method: clinical testing. Allele origin: germline.
Comment: This sequence change replaces aspartic acid, which is acidic and polar, with valine, which is neutral and non-polar, at codon 554 of the BLM protein (p.Asp554Val). This variant is not present in population databases (gnomAD no frequency). This variant has not been reported in the literature in individuals affected with BLM-related conditions. ClinVar contains an entry for this variant (Variation ID: 1420427). Invitae Evidence Modeling of protein sequence and biophysical properties (such as structural, functional, and spatial information, amino acid conservation, physicochemical variation, residue mobility, and thermodynamic stability) indicates that this missense variant is not expected to disrupt BLM protein function with a negative predictive value of 80%. Algorithms developed to predict the effect of sequence changes on RNA splicing suggest that this variant may create or strengthen a splice site. In summary, the available evidence is currently insufficient to determine the role of this variant in disease. Therefore, it has been classified as a Variant of Uncertain Significance.

Ambry Genetics
Classification: Uncertain significance for Hereditary cancer-predisposing syndrome. Last evaluated: 2022-05-30. Review status: criteria provided, single submitter. Criteria: Ambry Variant Classification Scheme 2023. Collection method: clinical testing. Allele origin: germline.
Comment: The p.D554V variant (also known as c.1661A>T), located in coding exon 6 of the BLM gene, results from an A to T substitution at nucleotide position 1661. The aspartic acid at codon 554 is replaced by valine, an amino acid with highly dissimilar properties. This amino acid position is conserved. In addition, the in silico prediction for this alteration is inconclusive. Since supporting evidence is limited at this time, the clinical significance of this alteration remains unclear.

Blueprint Genetics
Classification: Uncertain significance. Last evaluated: 2019-08-30. Review status: criteria provided, single submitter. Criteria: ACMG Guidelines, 2015. Collection method: clinical testing. Allele origin: germline.

NM_000057.4(BLM):c.1661A>T (p.Asp554Val)

Gene: BLM (BLM RecQ like helicase; plus strand). Cytogenetic location: 15q26.1.
Variant type: single nucleotide variant.
Coding change: c.1661A>T on transcript NM_000057.4 (MANE Select); coding-DNA position 1661, A replaced by T.
Protein change: p.Asp554Val; replaces aspartic acid 554 with valine.
Molecular consequence: missense variant.
Genome position (GRCh38, 1-based): chr15:90,761,034, A>T. VCF-style: chr15-90761034-A-T. GRCh37 (hg19) VCF-style: chr15-91304264-A-T.
Other names: c.1661A>T, p.Asp554Val (NM_001287246.2, NM_001287247.2); c.536A>T, p.Asp179Val (NM_001287248.2); short protein forms D554V, D179V.
Identifiers: ClinVar variation 1420427 (VCV001420427.9), dbSNP rs1266070433, ClinGen allele CA393843553.